The following is an entry in ClinVar:

NM_001270447.2(ACADVL):c.132-201_132-200insCGGCGTGCAGGACGC

Genes: ACADVL (acyl-CoA dehydrogenase very long chain; plus strand), DLG4 (discs large MAGUK scaffold protein 4; minus strand). Cytogenetic location: 17p13.1.
Variant type: Insertion.
Coding change: c.132-201_132-200insCGGCGTGCAGGACGC on transcript NM_001270447.2; 201 bases into the intron before coding-DNA position 132 through 200 bases into the intron before coding-DNA position 132, CGGCGTGCAGGACGC inserted.
Molecular consequence: intron variant. On other transcripts: 5 prime UTR variant (1), non-coding transcript variant (1).
Genome position: GRCh38 VCF-style: chr17-7219921-T-TCGGCGTGCAGGACGC. GRCh37 (hg19) VCF-style: chr17-7123240-T-TCGGCGTGCAGGACGC.
Other names: c.-1073_-1072insGCGTCCTGCACGCCG (NM_001321074.1).
Identifiers: ClinVar variation 5003726 (VCV005003726.1).

ClinVar aggregate classification (germline): Uncertain significance (1 of 4 stars; one submission).

Conditions:
Very long chain acyl-CoA dehydrogenase deficiency (ACADVLD). Also called: VLCAD Deficiency; Very Long-Chain Acyl-Coenzyme A Dehydrogenase Deficiency. Identifiers: Orphanet 26793, MedGen C3887523, MONDO:0008723, OMIM 201475.

Submission:

Myriad Genetics, Inc.
Classification: Uncertain significance for Very long chain acyl-CoA dehydrogenase deficiency. Last evaluated: 2026-05-15. Review status: criteria provided, single submitter. Criteria: Myriad Autosomal Dominant, Autosomal Recessive and X-Linked Classification Criteria (2023). Collection method: clinical testing. Allele origin: unknown.
Comment: NM_000018.3(ACADVL):c.-64_-63ins15 is a 5' non-coding variant classified as a variant of uncertain significance in the context of very-long-chain acyl-CoA dehydrogenase deficiency. c.-64_-63ins15 has not been observed in cases with relevant disease. Relevant functional assessments of this variant are not available in the literature. c.-64_-63ins15 has not been observed in referenced population frequency databases. In summary, there is insufficient evidence to classify NM_000018.3(ACADVL):c.-64_-63ins15 as pathogenic or benign. Please note: this variant was assessed in the context of healthy population screening.